The following is an entry in ClinVar:

NM_001458.5(FLNC):c.1540A>G (p.Lys514Glu)

Gene: FLNC (filamin C; plus strand). Cytogenetic location: 7q32.1.
Variant type: single nucleotide variant.
Coding change: c.1540A>G on transcript NM_001458.5 (MANE Select); coding-DNA position 1540, A replaced by G.
Protein change: p.Lys514Glu; replaces lysine 514 with glutamic acid.
Molecular consequence: missense variant.
Genome position (GRCh38, 1-based): chr7:128,840,151, A>G. VCF-style: chr7-128840151-A-G. GRCh37 (hg19) VCF-style: chr7-128480205-A-G.
Other names: c.1540A>G, p.Lys514Glu (NM_001127487.2); short protein forms K514E.
Identifiers: ClinVar variation 4812725 (VCV004812725.1).

ClinVar aggregate classification (germline): Uncertain significance (1 of 4 stars; one submission).

Conditions:
Hypertrophic cardiomyopathy 26. Also called: Cardiomyopathy, familial hypertrophic, 26. Identifiers: Orphanet 75249, MedGen C4310749, MONDO:0014883, OMIM 617047.
Myofibrillar myopathy 5. Also called: Filaminopathy (type); FILAMINOPATHY, AUTOSOMAL DOMINANT. Identifiers: Orphanet 171445, MedGen C1836050, MONDO:0012289, OMIM 609524.
Distal myopathy with posterior leg and anterior hand involvement. Also called: WILLIAMS DISTAL MYOPATHY. Identifiers: Orphanet 63273, MedGen C3279722, MONDO:0013550, OMIM 614065.

Submission:

Labcorp Genetics (formerly Invitae), Labcorp
Classification: Uncertain significance for Distal myopathy with posterior leg and anterior hand involvement; Myofibrillar myopathy 5; Hypertrophic cardiomyopathy 26. Last evaluated: 2025-06-20. Review status: criteria provided, single submitter. Criteria: Invitae Variant Classification Sherloc (09022015). Collection method: clinical testing. Allele origin: germline.
Comment: This sequence change replaces lysine, which is basic and polar, with glutamic acid, which is acidic and polar, at codon 514 of the FLNC protein (p.Lys514Glu). This variant is not present in population databases (gnomAD no frequency). This variant has not been reported in the literature in individuals affected with FLNC-related conditions. Invitae Evidence Modeling of protein sequence and biophysical properties (such as structural, functional, and spatial information, amino acid conservation, physicochemical variation, residue mobility, and thermodynamic stability) has been performed for this missense variant. However, the output from this modeling did not meet the statistical confidence thresholds required to predict the impact of this variant on FLNC protein function. In summary, the available evidence is currently insufficient to determine the role of this variant in disease. Therefore, it has been classified as a Variant of Uncertain Significance.